The following is an entry in ClinVar:

NM_000632.4(ITGAM):c.2853G>T (p.Met951Ile)

Gene: ITGAM (integrin subunit alpha M; plus strand). Cytogenetic location: 16p11.2.
Variant type: single nucleotide variant.
Coding change: c.2853G>T on transcript NM_000632.4 (MANE Select); coding-DNA position 2853, G replaced by T.
Protein change: p.Met951Ile; replaces methionine 951 with isoleucine.
Molecular consequence: missense variant.
Genome position (GRCh38, 1-based): chr16:31,329,288, G>T. VCF-style: chr16-31329288-G-T. GRCh37 (hg19) VCF-style: chr16-31340609-G-T.
Other names: c.2856G>T, p.Met952Ile (NM_001145808.2); c.2853G>T (NM_000632.3); short protein forms M951I, M952I.
Identifiers: ClinVar variation 992515 (VCV000992515.10), dbSNP rs61758333, ClinGen allele CA8025991.

ClinVar aggregate classification (germline): Uncertain significance. Review status: criteria provided, multiple submitters, no conflicts (2 of 4 stars). 3 submissions from 3 submitters: Uncertain significance (3). Last evaluated 2026-02-01.

Allele frequency attached by ClinVar (database versions not stated): 1000 Genomes Project 0.00060; 1000 Genomes Project 30x 0.00062; gnomAD 0.00072 and 0.00092; gnomAD exomes 0.00077; ExAC 0.00093; ESP Exome Variant Server 0.00114; TOPMed 0.00118.
gnomAD v4.1: 1,391 of 1,612,008 alleles (0.086%); highest among the groups gnomAD compares: Middle Eastern, 0.13%; 3 homozygotes.

Submissions (3):

Labcorp Genetics (formerly Invitae), Labcorp
Classification: Uncertain significance. Last evaluated: 2026-02-01. Review status: criteria provided, single submitter. Criteria: Invitae Variant Classification Sherloc (09022015). Collection method: clinical testing. Allele origin: germline.
Comment: This sequence change replaces methionine, which is neutral and non-polar, with isoleucine, which is neutral and non-polar, at codon 951 of the ITGAM protein (p.Met951Ile). This variant is present in population databases (rs61758333, gnomAD 0.1%), and has an allele count higher than expected for a pathogenic variant. This variant has not been reported in the literature in individuals affected with ITGAM-related conditions. ClinVar contains an entry for this variant (Variation ID: 992515). An algorithm developed to predict the effect of missense changes on protein structure and function outputs the following: PolyPhen-2: "Benign". The isoleucine amino acid residue is found in multiple mammalian species, which suggests that this missense change does not adversely affect protein function. In summary, the available evidence is currently insufficient to determine the role of this variant in disease. Therefore, it has been classified as a Variant of Uncertain Significance.

Center for Genomics, Ann and Robert H. Lurie Children's Hospital of Chicago
Classification: Uncertain significance. Last evaluated: 2021-03-30. Review status: criteria provided, single submitter. Criteria: ACMG Guidelines, 2015. Collection method: clinical testing. Allele origin: germline.
Comment: ITGAM NM_000632.3 exon 24 p.Met951Ile (c.2853G>T): This variant has not been reported in the literature but is present in 0.1% (149/128136) of European alleles in the Genome Aggregation Database. This variant amino acid Isoleucine (Ile) is present in >25 species including mammals and is not well conserved among evolutionarily distant species; this suggests that this variant may not impact the protein. Additional computational prediction tools do not suggest an impact. In summary, data on this variant is insufficient for disease classification. Therefore, the clinical significance of this variant is uncertain.

Breakthrough Genomics
Classification: Uncertain significance. Review status: criteria provided, single submitter. Criteria: ACMG Guidelines, 2015. Collection method: not provided. Allele origin: germline. Inheritance: Unknown mechanism. Affected: yes.